The following is an entry in ClinVar:

NM_015705.6(SGSM3):c.537C>T (p.Ile179=)

Gene: SGSM3 (small G protein signaling modulator 3; plus strand). Cytogenetic location: 22q13.1.
Variant type: single nucleotide variant.
Coding change: c.537C>T on transcript NM_015705.6 (MANE Select); coding-DNA position 537, C replaced by T.
Protein change: p.Ile179=; no amino-acid change (isoleucine 179 retained).
Molecular consequence: synonymous variant. On other transcripts: non-coding transcript variant (4).
Genome position (GRCh38, 1-based): chr22:40,405,203, C>T. VCF-style: chr22-40405203-C-T. GRCh37 (hg19) VCF-style: chr22-40801207-C-T.
Other names: c.348C>T, p.Ile116= (NM_001301849.2, NM_001350042.2, NM_001350044.2 and 1 more transcripts); c.537C>T, p.Ile179= (NM_001350039.2, NM_001350040.2, NM_001350041.2); c.336C>T, p.Ile112= (NM_001350043.2, NM_001350046.2, NM_001350047.2); c.39C>T, p.Ile13= (NM_001350048.2).
Identifiers: ClinVar variation 738918 (VCV000738918.4), dbSNP rs150525363, ClinGen allele CA10248240.

ClinVar aggregate classification (germline): Benign/Likely benign. Review status: criteria provided, multiple submitters, no conflicts (2 of 4 stars). 2 submissions from 2 submitters: Benign (1); Likely benign (1). Last evaluated 2026-08-01.

Allele frequency attached by ClinVar (database versions not stated): gnomAD 0.00054 and 0.00068; TOPMed 0.00088; gnomAD exomes 0.00137; 1000 Genomes Project 30x 0.00156; ExAC 0.00168; 1000 Genomes Project 0.00180.
gnomAD v4.1: 715 of 1,589,130 alleles (0.045%); highest among the groups gnomAD compares: East Asian, 1.5%; 8 homozygotes.

Submissions (2):

CeGaT Center for Human Genetics Tuebingen
Classification: Likely benign. Last evaluated: 2026-08-01. Review status: criteria provided, single submitter. Criteria: CeGaT Center For Human Genetics Tuebingen Variant Classification Criteria Version 2. Collection method: clinical testing. Allele origin: germline. Affected: yes. Observed: 1 variant allele.
Comment: SGSM3: BP4, BP7, BS1

Labcorp Genetics (formerly Invitae), Labcorp
Classification: Benign. Last evaluated: 2018-06-02. Review status: criteria provided, single submitter. Criteria: Invitae Variant Classification Sherloc (09022015). Collection method: clinical testing. Allele origin: germline.